The following is an entry in ClinVar:

ClinVar aggregate classification (germline): Conflicting classifications of pathogenicity. Review status: criteria provided, conflicting classifications (1 of 4 stars). 2 submissions from 2 submitters: Uncertain significance (1); Likely benign (1). Last evaluated 2024-08-20.

Conditions:
Familial hypobetalipoproteinemia 1. Also called: APOB-Related Familial Hypobetalipoproteinemia; Hypobetalipoproteinemia, normotriglyceridemic; Acanthocytosis with hypobetalipoproteinemia. Identifiers: MedGen C4551990, MONDO:0014252, OMIM 615558.
Hypercholesterolemia, autosomal dominant, type B (FHCL2). Also called: APOB-Related Familial Hypercholesterolemia, Autosomal Dominant; HYPERCHOLESTEROLEMIA, FAMILIAL, DUE TO LIGAND-DEFECTIVE APOLIPOPROTEIN B; Hyperlipoproteinemia Type IIb; Familial Hypercholesterolemia Type B; APOLIPOPROTEIN B-100, FAMILIAL DEFECTIVE; APOLIPOPROTEIN B-100, FAMILIAL LIGAND-DEFECTIVE. Identifiers: MedGen C1704417, MONDO:0007751, OMIM 144010.

Allele frequency attached by ClinVar (database versions not stated): gnomAD exomes below 0.00001; TOPMed below 0.00001; gnomAD 0.00001.
gnomAD v4.1: 5 of 1,610,972 alleles (0.00031%); highest among the groups gnomAD compares: African/African-American, 0.0013%; no homozygotes.

Submissions (2):

Labcorp Genetics (formerly Invitae), Labcorp
Classification: Likely benign for Familial hypobetalipoproteinemia 1; Hypercholesterolemia, autosomal dominant, type B. Last evaluated: 2024-08-20. Review status: criteria provided, single submitter. Criteria: Invitae Variant Classification Sherloc (09022015). Collection method: clinical testing. Allele origin: germline.

Phosphorus, Inc.
Classification: Uncertain significance. Last evaluated: 2022-01-14. Review status: criteria provided, single submitter. Criteria: ACMG Guidelines, 2015. Collection method: clinical testing. Allele origin: germline. Inheritance: Autosomal dominant inheritance.
Comment: This missense variant represents an amino acid change of asparagine with serine in codon 2130 of the APOB gene. This variant occurs once in gnomAD with a total MAF of 0.0004%. This position is not conserved. In silico functional model PolyPhen predicts this variant to be benign, however experimental functional studies have not been performed to confirm this prediction. This variant is not present in the literature in association with disease. Considering this is a rare variant, with limited information available regarding its impact on the protein and disease association, it is classified as a Variant of Uncertain Significance.

NM_000384.3(APOB):c.6389A>G (p.Asn2130Ser)

Gene: APOB (apolipoprotein B; minus strand). Cytogenetic location: 2p24.1.
Variant type: single nucleotide variant.
Coding change: c.6389A>G on transcript NM_000384.3 (MANE Select); coding-DNA position 6389, A replaced by G.
Protein change: p.Asn2130Ser; replaces asparagine 2130 with serine.
Molecular consequence: missense variant.
Genome position (GRCh38, 1-based): chr2:21,010,479, T>C on the plus strand (A>G on the coding strand, the complement: APOB is on the minus strand). VCF-style: chr2-21010479-T-C. GRCh37 (hg19) VCF-style: chr2-21233351-T-C.
Other names: short protein forms N2130S.
Identifiers: ClinVar variation 1339293 (VCV001339293.4), dbSNP rs1359479064, ClinGen allele CA346001867.
Genomic context (GRCh38, chr2:21,010,479, plus strand): 5'-CTATACTTTTTTGTGAGAGCAGTCAGTTTCTCCTTGGCATGTGAAACTTGTCTCTCCCAA[T>C]TGAATGAATTCAGATAATCATTAGCTTGCTGTGGGAGTTTTCCCAGGGCTGCTCTGTATT-3'
Protein context (NP_000375.3, residues 2120-2140): QQANDYLNSF[Asn2130Ser]WERQVSHAKE